The following is an entry in ClinVar:

ClinVar aggregate classification (germline): Uncertain significance (1 of 4 stars; one submission).

Conditions:
TFG-related disorder. Also called: TFG-related condition; TFG-related disorders.

Submission:

PreventionGenetics, part of Exact Sciences
Classification: Uncertain significance for TFG-related condition. Last evaluated: 2024-11-27. Review status: criteria provided, single submitter. Criteria: ACMG Guidelines, 2015. Collection method: clinical testing. Allele origin: germline.
Comment: The TFG c.419C>A variant is predicted to result in the amino acid substitution p.Thr140Asn. To our knowledge, this variant has not been reported in the literature or in a large population database (gnomAD), indicating this variant is rare. At this time, the clinical significance of this variant is uncertain due to the absence of conclusive functional and genetic evidence.

NM_006070.6(TFG):c.419C>A (p.Thr140Asn)

Gene: TFG (trafficking from ER to golgi regulator; plus strand). Cytogenetic location: 3q12.2.
Variant type: single nucleotide variant.
Coding change: c.419C>A on transcript NM_006070.6 (MANE Select); coding-DNA position 419, C replaced by A.
Protein change: p.Thr140Asn; replaces threonine 140 with asparagine.
Molecular consequence: missense variant.
Genome position (GRCh38, 1-based): chr3:100,732,511, C>A. VCF-style: chr3-100732511-C-A. GRCh37 (hg19) VCF-style: chr3-100451355-C-A.
Other names: c.419C>A, p.Thr140Asn (NM_001007565.2, NM_001195478.2, NM_001195479.2); short protein forms T140N.
Identifiers: ClinVar variation 4996928 (VCV004996928.1).